The following is an entry in ClinVar:

NM_001379286.1(ZNF423):c.2608C>G (p.Leu870Val)

Gene: ZNF423 (zinc finger protein 423; minus strand). Cytogenetic location: 16q12.1.
Variant type: single nucleotide variant.
Coding change: c.2608C>G on transcript NM_001379286.1 (MANE Select); coding-DNA position 2608, C replaced by G.
Protein change: p.Leu870Val; replaces leucine 870 with valine.
Molecular consequence: missense variant.
Genome position (GRCh38, 1-based): chr16:49,636,568, G>C on the plus strand (C>G on the coding strand, the complement: ZNF423 is on the minus strand). VCF-style: chr16-49636568-G-C. GRCh37 (hg19) VCF-style: chr16-49670479-G-C.
Other names: c.2404C>G, p.Leu802Val (NM_001271620.2); c.2233C>G, p.Leu745Val (NM_001330533.2); c.2584C>G, p.Leu862Val (NM_015069.5); short protein forms L802V, L862V, L745V, L870V.
Identifiers: ClinVar variation 540270 (VCV000540270.8), dbSNP rs774348975, ClinGen allele CA8046467.
Genomic context (GRCh38, chr16:49,636,568, plus strand): 5'-ACGCGTCCACGTCATCCTCGCTGGCCTCATGGCTGTTAGGTGCCTCAGGGTTCTTAAGCA[G>C]CATGCCCTGCAGGTCAGCAGGCTCAGCTTTCTTGGTGGCCATTGGGGGTACCCCATTGGC-3'
Protein context (NP_001366215.1, residues 860-880): KAEPADLQGM[Leu870Val]LKNPEAPNSH

ClinVar aggregate classification (germline): Uncertain significance (1 of 4 stars; one submission).

Conditions:
Nephronophthisis 14 (NPHP14). Identifiers: Orphanet 2318, MedGen C3539071, MONDO:0013916, OMIM 614844.

Allele frequency attached by ClinVar (database versions not stated): TOPMed below 0.00001; ExAC 0.00001; gnomAD exomes below 0.00001.
gnomAD v4.1: 1 of 1,614,012 alleles (0.000062%); highest among the groups gnomAD compares: Non-Finnish European, 0.000085%; no homozygotes.

Submission:

Labcorp Genetics (formerly Invitae), Labcorp
Classification: Uncertain significance for Nephronophthisis 14. Last evaluated: 2017-08-29. Review status: criteria provided, single submitter. Criteria: Invitae Variant Classification Sherloc (09022015). Collection method: clinical testing. Allele origin: germline.
Comment: This variant is present in population databases (rs774348975, ExAC 0.002%). Algorithms developed to predict the effect of sequence changes on RNA splicing suggest that this variant may create or strengthen a splice site, but this prediction has not been confirmed by published transcriptional studies. Algorithms developed to predict the effect of missense changes on protein structure and function do not agree on the potential impact of this missense change (SIFT: "Tolerated"; PolyPhen-2: "Possibly Damaging"; Align-GVGD: "Class C0"). This variant has not been reported in the literature in individuals with ZNF423-related disease. This sequence change replaces leucine with valine at codon 862 of the ZNF423 protein (p.Leu862Val). The leucine residue is highly conserved and there is a small physicochemical difference between leucine and valine. In summary, the available evidence is currently insufficient to determine the role of this variant in disease. Therefore, it has been classified as a Variant of Uncertain Significance.